The following is an entry in ClinVar:

ClinVar aggregate classification (germline): Likely pathogenic (1 of 4 stars; one submission).

Conditions:
Cardiovascular phenotype. Identifiers: MedGen CN230736.

Allele frequency attached by ClinVar (database versions not stated): gnomAD exomes 0.00001.

Submission:

Ambry Genetics
Classification: Likely pathogenic for Cardiovascular phenotype. Last evaluated: 2020-08-03. Review status: criteria provided, single submitter. Criteria: Ambry Variant Classification Scheme 2023. Collection method: clinical testing. Allele origin: germline.
Comment: The c.966delC variant, located in coding exon 7 of the LMF1 gene, results from a deletion of one nucleotide at nucleotide position 966, causing a translational frameshift with a predicted alternate stop codon (p.F323Lfs*17). This alteration is expected to result in loss of function by premature protein truncation or nonsense-mediated mRNA decay. While not definitively established, loss of function is likely the mechanism of disease for LMF1. Based on the majority of available evidence to date, this variant is likely to be pathogenic.

NM_022773.4(LMF1):c.966del (p.Phe323fs)

Gene: LMF1 (lipase maturation factor 1; minus strand). Cytogenetic location: 16p13.3.
Variant type: Deletion.
Coding change: c.966del on transcript NM_022773.4 (MANE Select); coding-DNA position 966, one base deleted (C; older notation c.966delC).
Protein change: p.Phe323fs; shifts the reading frame from phenylalanine 323.
Molecular consequence: frameshift variant. On other transcripts: non-coding transcript variant (1).
Genome position (GRCh38, 1-based): chr16:871,273, G deleted on the plus strand (C on the coding strand, the reverse complement: LMF1 is on the minus strand). VCF-style (leftmost placement, unchanged base first): chr16-871272-AG-A. GRCh37 (hg19) VCF-style: chr16-921272-AG-A.
Other names: c.315del, p.Phe106fs (NM_001352017.2, NM_001352021.2); c.567del, p.Phe190fs (NM_001352018.2); c.639del, p.Phe214fs (NM_001352019.2); c.966del, p.Phe323fs (NM_001352020.1); short protein forms F106fs, F190fs, F214fs, F323fs.
Identifiers: ClinVar variation 1767730 (VCV001767730.2), dbSNP rs2544498725, ClinGen allele CA2575933607.